The following is an entry in ClinVar:

NM_001317162.2(PLAGL1):c.1134G>A (p.Leu378=)

Gene: PLAGL1 (PLAG1 like zinc finger 1; minus strand). Cytogenetic location: 6q24.2.
Variant type: single nucleotide variant.
Coding change: c.1134G>A on transcript NM_001317162.2 (MANE Select); coding-DNA position 1134, G replaced by A.
Protein change: p.Leu378=; no amino-acid change (leucine 378 retained).
Molecular consequence: synonymous variant.
Genome position (GRCh38, 1-based): chr6:143,941,682, C>T on the plus strand (G>A on the coding strand, the complement: PLAGL1 is on the minus strand). VCF-style: chr6-143941682-C-T. GRCh37 (hg19) VCF-style: chr6-144262819-C-T.
Other names: NC_000006.11:g.144262819C>T; c.1134G>A, p.Leu378= (NM_001080951.3, NM_001080952.3, NM_001080953.3 and 14 more transcripts); c.978G>A, p.Leu326= (NM_001080955.3, NM_001080956.3, NM_001289037.2 and 6 more transcripts).
Identifiers: ClinVar variation 3038305 (VCV003038305.3), dbSNP rs72546304, ClinGen allele CA4031322.
Genomic context (GRCh38, chr6:143,941,682, plus strand): 5'-AAAGGTATTTTGGGTAGCAGGAGGGGGCAGCTGCCAGAAGCCCAACAGGGGGGACAGGTC[C>T]AGAGAGGCAGGTATTGTTAGGTTCACAGCATCTGCAGGCAGCTCCTTGGGCAGGTTTACT-3'
Protein context (NP_001304091.1, residues 368-388): DAVNLTIPAS[Leu378=]DLSPLLGFWQ

ClinVar aggregate classification (germline): Benign (0 of 4 stars; one submission).

Conditions:
PLAGL1-related disorder. Also called: PLAGL1-related condition.

Allele frequency attached by ClinVar (database versions not stated): 1000 Genomes Project 30x 0.00796; 1000 Genomes Project 0.00859; TOPMed 0.01319; ExAC 0.01557; gnomAD exomes 0.01817; ESP Exome Variant Server 0.01354; gnomAD 0.01462.
gnomAD v4.1: 28,638 of 1,614,194 alleles (1.8%); highest among the groups gnomAD compares: Non-Finnish European, 2%; 323 homozygotes.

Submissions (16):

PreventionGenetics, part of Exact Sciences
Classification: Benign for PLAGL1-related condition. Last evaluated: 2019-05-06. Review status: no assertion criteria provided. Collection method: clinical testing. Allele origin: germline.
Comment: This variant is classified as benign based on ACMG/AMP sequence variant interpretation guidelines (Richards et al. 2015 PMID: 25741868, with internal and published modifications).

Dr. Peter K. Rogan Lab, Western University
No classification provided (evidence only). Condition: Clear cell carcinoma of kidney. Review status: no classification provided. Collection method: in vitro. Allele origin: not applicable. Functional consequence: retained intron. Not counted in ClinVar's aggregate classification.

Dr. Peter K. Rogan Lab, Western University
No classification provided (evidence only). Condition: Clear cell carcinoma of kidney. Review status: no classification provided. Collection method: in vitro. Allele origin: not applicable. Functional consequence: retained intron. Not counted in ClinVar's aggregate classification.

Dr. Peter K. Rogan Lab, Western University
No classification provided (evidence only). Condition: Melanoma. Review status: no classification provided. Collection method: in vitro. Allele origin: not applicable. Functional consequence: retained intron. Not counted in ClinVar's aggregate classification.

Dr. Peter K. Rogan Lab, Western University
No classification provided (evidence only). Condition: Colorectal cancer. Review status: no classification provided. Collection method: in vitro. Allele origin: not applicable. Functional consequence: retained intron. Not counted in ClinVar's aggregate classification.

Dr. Peter K. Rogan Lab, Western University
No classification provided (evidence only). Condition: Colorectal cancer. Review status: no classification provided. Collection method: in vitro. Allele origin: not applicable. Functional consequence: retained intron. Not counted in ClinVar's aggregate classification.

Dr. Peter K. Rogan Lab, Western University
No classification provided (evidence only). Condition: Colorectal cancer. Review status: no classification provided. Collection method: in vitro. Allele origin: not applicable. Functional consequence: retained intron. Not counted in ClinVar's aggregate classification.

Dr. Peter K. Rogan Lab, Western University
No classification provided (evidence only). Condition: Sarcoma. Review status: no classification provided. Collection method: in vitro. Allele origin: not applicable. Functional consequence: retained intron. Not counted in ClinVar's aggregate classification.

Dr. Peter K. Rogan Lab, Western University
No classification provided (evidence only). Condition: Ovarian serous cystadenocarcinoma. Review status: no classification provided. Collection method: in vitro. Allele origin: not applicable. Functional consequence: retained intron. Not counted in ClinVar's aggregate classification.

Dr. Peter K. Rogan Lab, Western University
No classification provided (evidence only). Condition: Ovarian serous cystadenocarcinoma. Review status: no classification provided. Collection method: in vitro. Allele origin: not applicable. Functional consequence: retained intron. Not counted in ClinVar's aggregate classification.

Dr. Peter K. Rogan Lab, Western University
No classification provided (evidence only). Condition: Ovarian serous cystadenocarcinoma. Review status: no classification provided. Collection method: in vitro. Allele origin: not applicable. Functional consequence: retained intron. Not counted in ClinVar's aggregate classification.

Dr. Peter K. Rogan Lab, Western University
No classification provided (evidence only). Condition: Gastric cancer. Review status: no classification provided. Collection method: in vitro. Allele origin: not applicable. Functional consequence: retained intron. Not counted in ClinVar's aggregate classification.

Dr. Peter K. Rogan Lab, Western University
No classification provided (evidence only). Condition: Gastric cancer. Review status: no classification provided. Collection method: in vitro. Allele origin: not applicable. Functional consequence: retained intron. Not counted in ClinVar's aggregate classification.

Dr. Peter K. Rogan Lab, Western University
No classification provided (evidence only). Condition: Gastric cancer. Review status: no classification provided. Collection method: in vitro. Allele origin: not applicable. Functional consequence: retained intron. Not counted in ClinVar's aggregate classification.

Dr. Peter K. Rogan Lab, Western University
No classification provided (evidence only). Condition: Malignant tumor of esophagus. Review status: no classification provided. Collection method: in vitro. Allele origin: not applicable. Functional consequence: retained intron. Not counted in ClinVar's aggregate classification.

Dr. Peter K. Rogan Lab, Western University
No classification provided (evidence only). Condition: Malignant tumor of esophagus. Review status: no classification provided. Collection method: in vitro. Allele origin: not applicable. Functional consequence: retained intron. Not counted in ClinVar's aggregate classification.